The following is an entry in ClinVar:

ClinVar aggregate classification (germline): Uncertain significance. Review status: criteria provided, multiple submitters, no conflicts (2 of 4 stars). 2 submissions from 2 submitters: Uncertain significance (2). Last evaluated 2025-09-20.

Conditions:
Inborn genetic diseases. Identifiers: MedGen C0950123, MeSH D030342.

gnomAD v4.1: 1 of 1,613,584 alleles (0.000062%); highest among the groups gnomAD compares: African/African-American, 0.0013%; no homozygotes.

Submissions (2):

Labcorp Genetics (formerly Invitae), Labcorp
Classification: Uncertain significance. Last evaluated: 2025-09-20. Review status: criteria provided, single submitter. Criteria: Invitae Variant Classification Sherloc (09022015). Collection method: clinical testing. Allele origin: germline.
Comment: This sequence change replaces glycine, which is neutral and non-polar, with aspartic acid, which is acidic and polar, at codon 912 of the ITPR1 protein (p.Gly912Asp). This variant is not present in population databases (gnomAD no frequency). This variant has not been reported in the literature in individuals affected with ITPR1-related conditions. Invitae Evidence Modeling of protein sequence and biophysical properties (such as structural, functional, and spatial information, amino acid conservation, physicochemical variation, residue mobility, and thermodynamic stability) indicates that this missense variant is not expected to disrupt ITPR1 protein function with a negative predictive value of 95%. In summary, the available evidence is currently insufficient to determine the role of this variant in disease. Therefore, it has been classified as a Variant of Uncertain Significance.

Ambry Genetics
Classification: Uncertain significance for Inborn genetic diseases. Last evaluated: 2025-08-31. Review status: criteria provided, single submitter. Criteria: Ambry Variant Classification Scheme 2023. Collection method: clinical testing. Allele origin: germline.

NM_001378452.1(ITPR1):c.2807G>A (p.Gly936Asp)

Gene: ITPR1 (inositol 1,4,5-trisphosphate receptor type 1; plus strand). Cytogenetic location: 3p26.1.
Variant type: single nucleotide variant.
Coding change: c.2807G>A on transcript NM_001378452.1 (MANE Select); coding-DNA position 2807, G replaced by A.
Protein change: p.Gly936Asp; replaces glycine 936 with aspartic acid.
Molecular consequence: missense variant.
Genome position (GRCh38, 1-based): chr3:4,676,641, G>A. VCF-style: chr3-4676641-G-A. GRCh37 (hg19) VCF-style: chr3-4718325-G-A.
Other names: c.2780G>A, p.Gly927Asp (NM_001099952.4); c.2762G>A, p.Gly921Asp (NM_001168272.2); c.2735G>A, p.Gly912Asp (NM_002222.7); short protein forms G912D, G927D, G936D, G921D.
Identifiers: ClinVar variation 4088775 (VCV004088775.2).